The following is an entry in ClinVar:

NM_003482.4(KMT2D):c.13671+21C>A

Gene: KMT2D (lysine methyltransferase 2D; minus strand). Cytogenetic location: 12q13.12.
Variant type: single nucleotide variant.
Coding change: c.13671+21C>A on transcript NM_003482.4 (MANE Select); 21 bases into the intron after coding-DNA position 13671, C replaced by A.
Molecular consequence: intron variant.
Genome position (GRCh38, 1-based): chr12:49,030,872, G>T on the plus strand (C>A on the coding strand, the complement: KMT2D is on the minus strand). VCF-style: chr12-49030872-G-T. GRCh37 (hg19) VCF-style: chr12-49424655-G-T.
Identifiers: ClinVar variation 4989454 (VCV004989454.1).
Genomic context (GRCh38, chr12:49,030,872, plus strand): 5'-CATCGCTGTCTTGCACAGCTGGGGGACAGGGTGCCCCCTATCCTGGGATGGGACCAGGGG[G>T]ACTGTCTCCTGGGGGGTCACCTGTTTCAGCTGTTTCAGCAAGGCCTCGCTGGCCCTGACC-3'

ClinVar aggregate classification (germline): Likely benign (1 of 4 stars; one submission).

Conditions:
KMT2D-related disorder. Also called: KMT2D-Related Disorders.

gnomAD v4.1: 14 of 1,613,428 alleles (0.00087%); highest among the groups gnomAD compares: Non-Finnish European, 0.0012%; no homozygotes.

Submission:

PreventionGenetics, part of Exact Sciences
Classification: Likely benign for KMT2D-related condition. Last evaluated: 2025-04-19. Review status: criteria provided, single submitter. Criteria: ACMG Guidelines, 2015. Collection method: clinical testing. Allele origin: germline.
Comment: This variant is classified as likely benign based on ACMG/AMP sequence variant interpretation guidelines (Richards et al. 2015 PMID: 25741868, with internal and published modifications).